The following is an entry in ClinVar:

ClinVar aggregate classification (germline): Uncertain significance (1 of 4 stars; one submission).

Allele frequency attached by ClinVar (database versions not stated): TOPMed below 0.00001; gnomAD 0.00001.
gnomAD v4.1: 1 of 1,613,314 alleles (0.000062%); highest among the groups gnomAD compares: Admixed American, 0.0017%; no homozygotes.

Submission:

Labcorp Genetics (formerly Invitae), Labcorp
Classification: Uncertain significance. Last evaluated: 2026-01-26. Review status: criteria provided, single submitter. Criteria: Invitae Variant Classification Sherloc (09022015). Collection method: clinical testing. Allele origin: germline.
Comment: This sequence change replaces glutamic acid, which is acidic and polar, with aspartic acid, which is acidic and polar, at codon 283 of the COL4A2 protein (p.Glu283Asp). This variant is not present in population databases (gnomAD no frequency). This variant has not been reported in the literature in individuals affected with COL4A2-related conditions. ClinVar contains an entry for this variant (Variation ID: 1491992). Invitae Evidence Modeling of protein sequence and biophysical properties (such as structural, functional, and spatial information, amino acid conservation, physicochemical variation, residue mobility, and thermodynamic stability) indicates that this missense variant is not expected to disrupt COL4A2 protein function with a negative predictive value of 95%. In summary, the available evidence is currently insufficient to determine the role of this variant in disease. Therefore, it has been classified as a Variant of Uncertain Significance.

NM_001846.4(COL4A2):c.849A>C (p.Glu283Asp)

Gene: COL4A2 (collagen type IV alpha 2 chain; plus strand). Cytogenetic location: 13q34.
Variant type: single nucleotide variant.
Coding change: c.849A>C on transcript NM_001846.4 (MANE Select); coding-DNA position 849, A replaced by C.
Protein change: p.Glu283Asp; replaces glutamic acid 283 with aspartic acid.
Molecular consequence: missense variant.
Genome position (GRCh38, 1-based): chr13:110,438,025, A>C. VCF-style: chr13-110438025-A-C. GRCh37 (hg19) VCF-style: chr13-111090372-A-C.
Other names: short protein forms E283D.
Identifiers: ClinVar variation 1491992 (VCV001491992.8), dbSNP rs1880961913, ClinGen allele CA388731791.
Genomic context (GRCh38, chr13:110,438,025, plus strand): 5'-ATTAATAAGCGTTTCTTATTTTTCATATTCTTCACAGGGTGAAAAAGGCAGTGAGGGGGA[A>C]CCAGGAATAAGAGTAAGTCGAGTAATGAGCATGCCCCCTCCCCTGTGGCTCCTGGGCTGT-3'
Protein context (NP_001837.2, residues 273-293): QYKGEKGSEG[Glu283Asp]PGIRGISLKG